The following is an entry in ClinVar:

ClinVar aggregate classification (germline): Uncertain significance (0 of 4 stars; one submission).

Allele frequency attached by ClinVar (database versions not stated): gnomAD exomes below 0.00001.
gnomAD v4.1: 2 of 1,087,958 alleles (0.00018%); highest among the groups gnomAD compares: Non-Finnish European, 0.00022%; no homozygotes.

Submission:

Department of Pathology and Laboratory Medicine, Sinai Health System
Classification: Uncertain significance. Review status: no assertion criteria provided. Collection method: clinical testing. Allele origin: unknown. Affected: yes. Study: The Canadian Open Genetics Repository (COGR).
Comment: The KCNQ1 p.Ala2Thr variant was not identified in the literature nor was it identified in dbSNP, ClinVar or in the following control databases: the 1000 Genomes Project, the NHLBI GO Exome Sequencing Project, the Exome Aggregation Consortium (August 8th 2016), or the Genome Aggregation Database (March 6, 2019, v2.1.1). The p.Ala2 residue is not conserved in mammals and computational analyses (PolyPhen-2, SIFT, AlignGVGD, BLOSUM, MutationTaster) do not suggest a high likelihood of impact to the protein; however, this information is not predictive enough to rule out pathogenicity. The variant occurs outside of the splicing consensus sequence and in silico or computational prediction software programs (SpliceSiteFinder, MaxEntScan, NNSPLICE, GeneSplicer) do not predict a difference in splicing. In summary, based on the above information the clinical significance of this variant cannot be determined with certainty at this time. This variant is classified as a variant of uncertain significance.

NM_000218.3(KCNQ1):c.4G>A (p.Ala2Thr)

Gene: KCNQ1 (potassium voltage-gated channel subfamily Q member 1; plus strand). Cytogenetic location: 11p15.5.
Variant type: single nucleotide variant.
Coding change: c.4G>A on transcript NM_000218.3 (MANE Select); coding-DNA position 4, G replaced by A.
Protein change: p.Ala2Thr; replaces alanine 2 with threonine.
Molecular consequence: missense variant.
Genome position (GRCh38, 1-based): chr11:2,445,102, G>A. VCF-style: chr11-2445102-G-A. GRCh37 (hg19) VCF-style: chr11-2466332-G-A.
Other names: short protein forms A2T.
Identifiers: ClinVar variation 1050694 (VCV001050694.1), dbSNP rs2133559329, ClinGen allele CA379115676.
Genomic context (GRCh38, chr11:2,445,102, plus strand): 5'-TCGCTGCAGCTCCCGGTGCCGCCGCTCGGGCCGGCCCCCCGGCAGGCCCTCCTCGTTATG[G>A]CCGCGGCCTCCTCCCCGCCCAGGGCCGAGAGGAAGCGCTGGGGTTGGGGCCGCCTGCCAG-3'
Protein context (NP_000209.2, residues 1-12): M[Ala2Thr]AASSPPRAER